The following is an entry in ClinVar:

NM_000161.3(GCH1):c.88C>T (p.Pro30Ser)

Genes: GCH1 (GTP cyclohydrolase 1; minus strand), LOC130055692 (ATAC-STARR-seq lymphoblastoid silent region 5776; plus strand). Cytogenetic location: 14q22.2.
Variant type: single nucleotide variant.
Coding change: c.88C>T on transcript NM_000161.3 (MANE Select); coding-DNA position 88, C replaced by T.
Protein change: p.Pro30Ser; replaces proline 30 with serine.
Molecular consequence: missense variant.
Genome position (GRCh38, 1-based): chr14:54,902,576, G>A on the plus strand (C>T on the coding strand, the complement: GCH1 is on the minus strand). VCF-style: chr14-54902576-G-A. GRCh37 (hg19) VCF-style: chr14-55369294-G-A.
Other names: c.88C>T, p.Pro30Ser (NM_001024024.2, NM_001024070.2, NM_001024071.2 and 1 more transcripts); c.88C>T (NM_000161.2); short protein forms P30S.
Identifiers: ClinVar variation 4786906 (VCV004786906.2).
Genomic context (GRCh38, chr14:54,902,576, plus strand): 5'-CGGGCTGCGCGCTCTTGGCCTCGGGCCGCGGGGGCTTCTCCGCCGGCCTGCTGGGCCCGG[G>A]CCGCGGCGGATCCCGCTCGGGGAACCCATTGCTGCACCTGGCGCCCCGCGGCTTCTCCGC-3'
Protein context (NP_000152.1, residues 20-40): NGFPERDPPR[Pro30Ser]GPSRPAEKPP

ClinVar aggregate classification (germline): Uncertain significance. Review status: criteria provided, multiple submitters, no conflicts (2 of 4 stars). 2 submissions from 2 submitters: Uncertain significance (2). Last evaluated 2026-08-23.

Conditions:
GTP cyclohydrolase I deficiency. Identifiers: MedGen C0268467, MONDO:0100184.
Dystonia 5 (DRD). Also called: DYSTONIA, PROGRESSIVE, WITH DIURNAL VARIATION; DYSTONIA-PARKINSONISM WITH DIURNAL FLUCTUATION; GTP Cyclohydrolase 1-Deficient Dopa-Responsive Dystonia; Dystonia, DOPA-responsive, with or without hyperphenylalaninemia; DYT-GCH1. Identifiers: Orphanet 98808, MedGen C1851920, MONDO:0007495, OMIM 128230.
Inborn genetic diseases. Identifiers: MedGen C0950123, MeSH D030342.

gnomAD v4.1: 5 of 1,493,862 alleles (0.00033%); highest among the groups gnomAD compares: Admixed American, 0.0023%; no homozygotes.

Submissions (2):

Ambry Genetics
Classification: Uncertain significance for Inborn genetic diseases. Last evaluated: 2026-08-23. Review status: criteria provided, single submitter. Criteria: Ambry Variant Classification Scheme 2023. Collection method: clinical testing. Allele origin: germline.

Labcorp Genetics (formerly Invitae), Labcorp
Classification: Uncertain significance for GTP cyclohydrolase I deficiency; Dystonia 5. Last evaluated: 2026-02-02. Review status: criteria provided, single submitter. Criteria: Invitae Variant Classification Sherloc (09022015). Collection method: clinical testing. Allele origin: germline.
Comment: This sequence change replaces proline, which is neutral and non-polar, with serine, which is neutral and polar, at codon 30 of the GCH1 protein (p.Pro30Ser). This variant is not present in population databases (gnomAD no frequency). This variant has not been reported in the literature in individuals affected with GCH1-related conditions. Invitae Evidence Modeling of protein sequence and biophysical properties (such as structural, functional, and spatial information, amino acid conservation, physicochemical variation, residue mobility, and thermodynamic stability) indicates that this missense variant is not expected to disrupt GCH1 protein function with a negative predictive value of 95%. In summary, the available evidence is currently insufficient to determine the role of this variant in disease. Therefore, it has been classified as a Variant of Uncertain Significance.